The following is an entry in ClinVar:

ClinVar aggregate classification (germline): Uncertain significance (1 of 4 stars; one submission).

Conditions:
Warburg micro syndrome 2 (WARBM2). Also called: MICRO SYNDROME 2. Identifiers: Orphanet 2510, MedGen C3280214, MONDO:0013641, OMIM 614225.
Martsolf syndrome (MARTS). Also called: Congenital cataract with intellectual disability and hypogonadotropic hypogonadism syndrome. Identifiers: Orphanet 1387, MedGen C0796037, MONDO:0023910.

gnomAD v4.1: 4 of 1,614,148 alleles (0.00025%); highest among the groups gnomAD compares: Non-Finnish European, 0.00025%; no homozygotes.

Submission:

Labcorp Genetics (formerly Invitae), Labcorp
Classification: Uncertain significance for Martsolf syndrome; Warburg micro syndrome 2. Last evaluated: 2019-03-22. Review status: criteria provided, single submitter. Criteria: Invitae Variant Classification Sherloc (09022015). Collection method: clinical testing. Allele origin: germline.
Comment: In summary, the available evidence is currently insufficient to determine the role of this variant in disease. Therefore, it has been classified as a Variant of Uncertain Significance. Algorithms developed to predict the effect of missense changes on protein structure and function are either unavailable or do not agree on the potential impact of this missense change (SIFT: "Deleterious"; PolyPhen-2: "Probably Damaging"; Align-GVGD: "Class C0"). This variant has not been reported in the literature in individuals with RAB3GAP2-related disease. This variant is not present in population databases (ExAC no frequency). This sequence change replaces serine with cysteine at codon 875 of the RAB3GAP2 protein (p.Ser875Cys). The serine residue is moderately conserved and there is a moderate physicochemical difference between serine and cysteine.

NM_012414.4(RAB3GAP2):c.2624C>G (p.Ser875Cys)

Gene: RAB3GAP2 (RAB3 GTPase activating non-catalytic protein subunit 2; minus strand). Cytogenetic location: 1q41.
Variant type: single nucleotide variant.
Coding change: c.2624C>G on transcript NM_012414.4 (MANE Select); coding-DNA position 2624, C replaced by G.
Protein change: p.Ser875Cys; replaces serine 875 with cysteine.
Molecular consequence: missense variant.
Genome position (GRCh38, 1-based): chr1:220,171,074, G>C on the plus strand (C>G on the coding strand, the complement: RAB3GAP2 is on the minus strand). VCF-style: chr1-220171074-G-C. GRCh37 (hg19) VCF-style: chr1-220344416-G-C.
Other names: short protein forms S875C.
Identifiers: ClinVar variation 660208 (VCV000660208.10), dbSNP rs1571880860, ClinGen allele CA344638064.